The following is an entry in ClinVar:

NM_006912.6(RIT1):c.237+12del

Gene: RIT1 (Ras like without CAAX 1; minus strand). Cytogenetic location: 1q22.
Variant type: Deletion.
Coding change: c.237+12del on transcript NM_006912.6 (MANE Select); 12 bases into the intron after coding-DNA position 237, one base deleted (C; older notation c.237+12delC).
Molecular consequence: intron variant.
Genome position (GRCh38, 1-based): chr1:155,904,719, G deleted on the plus strand (C on the coding strand, the reverse complement: RIT1 is on the minus strand); the first of 3 consecutive G bases (chr1:155,904,719-155,904,721); deleting any one gives the same sequence. VCF-style (leftmost placement, unchanged base first): chr1-155904718-TG-T. GRCh37 (hg19) VCF-style: chr1-155874509-TG-T.
Other names: c.129+12del (NM_001256820.2); c.288+12del (NM_001256821.2); c.237+12delC (NM_006912.5).
Identifiers: ClinVar variation 515089 (VCV000515089.9), dbSNP rs763868802, ClinGen allele CA1151857.

ClinVar aggregate classification (germline): Likely benign. Review status: criteria provided, multiple submitters, no conflicts (2 of 4 stars). 3 submissions from 3 submitters: Likely benign (3). Last evaluated 2025-11-10.

Conditions:
Noonan syndrome 8 (NS8). Identifiers: Orphanet 648, MedGen C3809233, MONDO:0014143, OMIM 615355.

Submissions (3):

Labcorp Genetics (formerly Invitae), Labcorp
Classification: Likely benign for Noonan syndrome 8. Last evaluated: 2025-11-10. Review status: criteria provided, single submitter. Criteria: Invitae Variant Classification Sherloc (09022015). Collection method: clinical testing. Allele origin: germline.

Genome-Nilou Lab
Classification: Likely benign for Noonan syndrome 8. Last evaluated: 2023-04-11. Review status: criteria provided, single submitter. Criteria: ACMG Guidelines, 2015. Collection method: clinical testing. Allele origin: germline. Affected: no.

GeneDx
Classification: Likely benign. Last evaluated: 2018-01-26. Review status: criteria provided, single submitter. Criteria: GeneDx Variant Classification (06012015). Collection method: clinical testing. Allele origin: germline. Affected: yes.
Comment: This variant is considered likely benign or benign based on one or more of the following criteria: it is a conservative change, it occurs at a poorly conserved position in the protein, it is predicted to be benign by multiple in silico algorithms, and/or has population frequency not consistent with disease.